The following is an entry in ClinVar:

NM_000021.4(PSEN1):c.1272C>G (p.Leu424=)

Gene: PSEN1 (presenilin 1; plus strand). Cytogenetic location: 14q24.2.
Variant type: single nucleotide variant.
Coding change: c.1272C>G on transcript NM_000021.4 (MANE Select); coding-DNA position 1272, C replaced by G.
Protein change: p.Leu424=; no amino-acid change (leucine 424 retained).
Molecular consequence: synonymous variant.
Genome position (GRCh38, 1-based): chr14:73,219,157, C>G. VCF-style: chr14-73219157-C-G. GRCh37 (hg19) VCF-style: chr14-73685865-C-G.
Other names: c.1260C>G, p.Leu420= (NM_007318.3); c.1272C>G (NM_000021.3).
Identifiers: ClinVar variation 3025503 (VCV003025503.24), dbSNP rs200547750, ClinGen allele CA262620883.
Genomic context (GRCh38, chr14:73,219,157, plus strand): 5'-TATGTGTGAATGTGTGTCTTTCCCATCTTCTCCACAGGGTTTGTGCCTTACATTATTACT[C>G]CTTGCCATTTTCAAGAAAGCATTGCCAGCTCTTCCAATCTCCATCACCTTTGGGCTTGTT-3'
Protein context (NP_000012.1, residues 414-434): ILIGLCLTLL[Leu424=]LAIFKKALPA

ClinVar aggregate classification (germline): Likely benign. Review status: criteria provided, multiple submitters, no conflicts (2 of 4 stars). 3 submissions from 3 submitters: Likely benign (2). 1 of the submissions does not count toward it. Last evaluated 2024-11-21.

Conditions:
PSEN1-related disorder. Also called: PSEN1-related condition.

Allele frequency attached by ClinVar (database versions not stated): gnomAD 0.00002.
gnomAD v4.1: 12 of 1,613,960 alleles (0.00074%); highest among the groups gnomAD compares: Non-Finnish European, 0.001%; no homozygotes.

Submissions (3):

Blueprint Genetics
Classification: Likely benign. Last evaluated: 2024-11-21. Review status: criteria provided, single submitter. Criteria: ACMG Guidelines, 2015. Collection method: clinical testing. Allele origin: germline.

CeGaT Center for Human Genetics Tuebingen
Classification: Likely benign. Last evaluated: 2024-01-01. Review status: criteria provided, single submitter. Criteria: CeGaT Center For Human Genetics Tuebingen Variant Classification Criteria Version 2. Collection method: clinical testing. Allele origin: germline. Affected: yes. Observed: 1 variant allele.
Comment: PSEN1: BP4, BP7

PreventionGenetics, part of Exact Sciences
Classification: Likely benign for PSEN1-related condition. Last evaluated: 2019-06-24. Review status: no assertion criteria provided. Collection method: clinical testing. Allele origin: germline. Not counted in ClinVar's aggregate classification.
Comment: This variant is classified as likely benign based on ACMG/AMP sequence variant interpretation guidelines (Richards et al. 2015 PMID: 25741868, with internal and published modifications).